The following is an entry in ClinVar:

ClinVar aggregate classification (germline): Uncertain significance (1 of 4 stars; one submission).

Allele frequency attached by ClinVar (database versions not stated): ExAC 0.00001; gnomAD 0.00001; TOPMed 0.00001; gnomAD exomes 0.00004.
gnomAD v4.1: 58 of 1,613,826 alleles (0.0036%); highest among the groups gnomAD compares: East Asian, 0.11%; no homozygotes.

Submission:

Labcorp Genetics (formerly Invitae), Labcorp
Classification: Uncertain significance. Last evaluated: 2022-07-01. Review status: criteria provided, single submitter. Criteria: Invitae Variant Classification Sherloc (09022015). Collection method: clinical testing. Allele origin: germline.
Comment: This sequence change replaces alanine, which is neutral and non-polar, with valine, which is neutral and non-polar, at codon 1410 of the ROBO1 protein (p.Ala1410Val). This variant is present in population databases (rs771914948, gnomAD 0.002%). This variant has not been reported in the literature in individuals affected with ROBO1-related conditions. Algorithms developed to predict the effect of missense changes on protein structure and function are either unavailable or do not agree on the potential impact of this missense change (SIFT: "Deleterious"; PolyPhen-2: "Probably Damaging"; Align-GVGD: "Class C0"). In summary, the available evidence is currently insufficient to determine the role of this variant in disease. Therefore, it has been classified as a Variant of Uncertain Significance.

NM_002941.4(ROBO1):c.4229C>T (p.Ala1410Val)

Gene: ROBO1 (roundabout guidance receptor 1; minus strand). Cytogenetic location: 3p12.3.
Variant type: single nucleotide variant.
Coding change: c.4229C>T on transcript NM_002941.4 (MANE Select); coding-DNA position 4229, C replaced by T.
Protein change: p.Ala1410Val; replaces alanine 1410 with valine.
Molecular consequence: missense variant.
Genome position (GRCh38, 1-based): chr3:78,617,688, G>A on the plus strand (C>T on the coding strand, the complement: ROBO1 is on the minus strand). VCF-style: chr3-78617688-G-A. GRCh37 (hg19) VCF-style: chr3-78666838-G-A.
Other names: c.4094C>T, p.Ala1365Val (NM_001145844.1, NM_133631.4); c.3929C>T, p.Ala1310Val (NM_001145845.2); short protein forms A1365V, A1410V, A1310V.
Identifiers: ClinVar variation 2181665 (VCV002181665.4), dbSNP rs771914948, ClinGen allele CA2498167.
Genomic context (GRCh38, chr3:78,617,688, plus strand): 5'-GACTCACCAGCAGCATCCTGCATTTGCCGTCGTGCTACTTTCAGACCAGCATACTCTGCC[G>A]CTGCTGCGACTGCCTGGGCAAAGTCAGCATCAGTGAAAAAGGAGCCGTCCGAAGAACTAA-3'
Protein context (NP_002932.1, residues 1400-1420): DADFAQAVAA[Ala1410Val]AEYAGLKVAR